The following is an entry in ClinVar:

ClinVar aggregate classification (germline): Uncertain significance (1 of 4 stars; one submission).

Conditions:
Neuropathy, hereditary sensory and autonomic, type 2A (HSAN2A). Also called: WNK1-Related HSAN2 (HSAN2A); ACROOSTEOLYSIS, GIACCAI TYPE; ACROOSTEOLYSIS, NEUROGENIC; HSAN IIA; NEUROPATHY, CONGENITAL SENSORY; NEUROPATHY, HEREDITARY SENSORY RADICULAR, AUTOSOMAL RECESSIVE. Identifiers: Orphanet 970, MedGen C2752089, MONDO:0024309, OMIM 201300.
Generalized epilepsy with febrile seizures plus, type 7 (GEFSP7). Also called: GEFS+, TYPE 7. Identifiers: Orphanet 36387, MedGen C2751778, MONDO:0013470, OMIM 613863.

Allele frequency attached by ClinVar (database versions not stated): gnomAD exomes below 0.00001.
gnomAD v4.1: 1 of 1,613,784 alleles (0.000062%); highest among the groups gnomAD compares: South Asian, 0.0011%; no homozygotes.

Submission:

Labcorp Genetics (formerly Invitae), Labcorp
Classification: Uncertain significance for Neuropathy, hereditary sensory and autonomic, type 2A; Generalized epilepsy with febrile seizures plus, type 7. Last evaluated: 2022-08-31. Review status: criteria provided, single submitter. Criteria: Invitae Variant Classification Sherloc (09022015). Collection method: clinical testing. Allele origin: germline.
Comment: In summary, the available evidence is currently insufficient to determine the role of this variant in disease. Therefore, it has been classified as a Variant of Uncertain Significance. Algorithms developed to predict the effect of missense changes on protein structure and function (SIFT, PolyPhen-2, Align-GVGD) all suggest that this variant is likely to be tolerated. ClinVar contains an entry for this variant (Variation ID: 935871). This variant has not been reported in the literature in individuals affected with SCN9A-related conditions. This variant is not present in population databases (gnomAD no frequency). This sequence change replaces isoleucine, which is neutral and non-polar, with valine, which is neutral and non-polar, at codon 1901 of the SCN9A protein (p.Ile1901Val).

NM_001365536.1(SCN9A):c.5734A>G (p.Ile1912Val)

Genes: SCN1A-AS1 (SCN1A and SCN9A antisense RNA 1; plus strand), SCN9A (sodium voltage-gated channel alpha subunit 9; minus strand). Cytogenetic location: 2q24.3.
Variant type: single nucleotide variant.
Coding change: c.5734A>G on transcript NM_001365536.1 (MANE Select); coding-DNA position 5734, A replaced by G.
Protein change: p.Ile1912Val; replaces isoleucine 1912 with valine.
Molecular consequence: missense variant.
Genome position (GRCh38, 1-based): chr2:166,198,905, T>C on the plus strand (A>G on the coding strand, the complement: SCN9A is on the minus strand). VCF-style: chr2-166198905-T-C. GRCh37 (hg19) VCF-style: chr2-167055415-T-C.
Other names: c.5701A>G, p.Ile1901Val (NM_002977.4); short protein forms I1901V, I1912V.
Identifiers: ClinVar variation 935871 (VCV000935871.8), dbSNP rs1693336186, ClinGen allele CA349051617.